The following is an entry in ClinVar:

NM_002660.3(PLCG1):c.3366C>T (p.Asp1122=)

Gene: PLCG1 (phospholipase C gamma 1; plus strand). Cytogenetic location: 20q12.
Variant type: single nucleotide variant.
Coding change: c.3366C>T on transcript NM_002660.3 (MANE Select); coding-DNA position 3366, C replaced by T.
Protein change: p.Asp1122=; no amino-acid change (aspartic acid 1122 retained).
Molecular consequence: synonymous variant.
Genome position (GRCh38, 1-based): chr20:41,173,506, C>T. VCF-style: chr20-41173506-C-T. GRCh37 (hg19) VCF-style: chr20-39802146-C-T.
Other names: c.3366C>T, p.Asp1122= (NM_182811.2).
Identifiers: ClinVar variation 3352182 (VCV003352182.1).
Genomic context (GRCh38, chr20:41,173,506, plus strand): 5'-GAATGGCCGAGGCATTGTGTGTCCTTTTGTGGAGATTGAGGTGGCTGGAGCTGAGTATGA[C>T]AGCACCAAGCAGAAGACAGAGTTTGTGGGTCAGTCTGTCTTCCCAGTCATCCTCCTCATC-3'
Protein context (NP_002651.2, residues 1112-1132): VEIEVAGAEY[Asp1122=]STKQKTEFVV

ClinVar aggregate classification (germline): Likely benign (0 of 4 stars; one submission).

Conditions:
PLCG1-related disorder. Also called: PLCG1-related condition.

gnomAD v4.1: 144 of 1,592,242 alleles (0.009%); highest among the groups gnomAD compares: Non-Finnish European, 0.012%; no homozygotes.

Submission:

PreventionGenetics, part of Exact Sciences
Classification: Likely benign for PLCG1-related condition. Last evaluated: 2024-08-29. Review status: no assertion criteria provided. Collection method: clinical testing. Allele origin: germline.
Comment: This variant is classified as likely benign based on ACMG/AMP sequence variant interpretation guidelines (Richards et al. 2015 PMID: 25741868, with internal and published modifications).